The following is an entry in ClinVar:

ClinVar aggregate classification (germline): Likely benign (0 of 4 stars; one submission).

Conditions:
CREG1-related disorder. Also called: CREG1-related condition.

Allele frequency attached by ClinVar (database versions not stated): gnomAD 0.00019; TOPMed 0.00019; ExAC 0.00020; gnomAD exomes 0.00021.
gnomAD v4.1: 307 of 1,489,982 alleles (0.021%); highest among the groups gnomAD compares: Non-Finnish European, 0.023%; no homozygotes.

Submission:

PreventionGenetics, part of Exact Sciences
Classification: Likely benign for CREG1-related condition. Last evaluated: 2019-07-12. Review status: no assertion criteria provided. Collection method: clinical testing. Allele origin: germline.
Comment: This variant is classified as likely benign based on ACMG/AMP sequence variant interpretation guidelines (Richards et al. 2015 PMID: 25741868, with internal and published modifications).

NM_003851.3(CREG1):c.255C>T (p.Phe85=)

Genes: CREG1 (cellular repressor of E1A stimulated genes 1; minus strand), LOC129931856 (ATAC-STARR-seq lymphoblastoid silent region 1530; plus strand). Cytogenetic location: 1q24.2.
Variant type: single nucleotide variant.
Coding change: c.255C>T on transcript NM_003851.3 (MANE Select); coding-DNA position 255, C replaced by T.
Protein change: p.Phe85=; no amino-acid change (phenylalanine 85 retained).
Molecular consequence: synonymous variant.
Genome position (GRCh38, 1-based): chr1:167,553,487, G>A on the plus strand (C>T on the coding strand, the complement: CREG1 is on the minus strand). VCF-style: chr1-167553487-G-A. GRCh37 (hg19) VCF-style: chr1-167522724-G-A.
Identifiers: ClinVar variation 3050509 (VCV003050509.2), dbSNP rs781036042, ClinGen allele CA1226288.